The following is an entry in ClinVar:

NM_000038.6(APC):c.8076A>G (p.Pro2692=)

Gene: APC (APC regulator of Wnt signaling pathway; plus strand). Cytogenetic location: 5q22.2.
Variant type: single nucleotide variant.
Coding change: c.8076A>G on transcript NM_000038.6 (MANE Select); coding-DNA position 8076, A replaced by G.
Protein change: p.Pro2692=; no amino-acid change (proline 2692 retained).
Molecular consequence: synonymous variant. On other transcripts: non-coding transcript variant (2).
Genome position (GRCh38, 1-based): chr5:112,843,670, A>G. VCF-style: chr5-112843670-A-G. GRCh37 (hg19) VCF-style: chr5-112179367-A-G.
Other names: c.8076A>G, p.Pro2692= (NM_001127510.3, NM_001354895.2, NM_001407450.1); c.8022A>G, p.Pro2674= (NM_001127511.3); c.8130A>G, p.Pro2710= (NM_001354896.2, NM_001407447.1, NM_001407448.1 and 1 more transcripts); c.8106A>G, p.Pro2702= (NM_001354897.2); c.8001A>G, p.Pro2667= (NM_001354898.2); c.7992A>G, p.Pro2664= (NM_001354899.2); c.7953A>G, p.Pro2651= (NM_001354900.2); c.7899A>G, p.Pro2633= (NM_001354901.2, NM_001407453.1); and 11 more.
Identifiers: ClinVar variation 3253814 (VCV003253814.1), dbSNP rs2149998853.
Genomic context (GRCh38, chr5:112,843,670, plus strand): 5'-AAGATCTCCCACAGGTAATACTCCCCCGGTGATTGACAGTGTTTCAGAAAAGGCAAATCC[A>G]AACATTAAAGATTCAAAAGATAATCAGGCAAAACAAAATGTGGGTAATGGCAGTGTTCCC-3'
Protein context (NP_000029.2, residues 2682-2702): VIDSVSEKAN[Pro2692=]NIKDSKDNQA

ClinVar aggregate classification (germline): Benign (1 of 4 stars; one submission).

Conditions:
Familial adenomatous polyposis 1 (FAP1). Also called: POLYPOSIS, ADENOMATOUS INTESTINAL; FAMILIAL ADENOMATOUS POLYPOSIS 1, ATTENUATED. Identifiers: MedGen C2713442, MONDO:0021056, OMIM 175100. Disease mechanism: loss of function.

Submission:

Myriad Genetics, Inc.
Classification: Benign for Familial adenomatous polyposis 1. Last evaluated: 2024-04-12. Review status: criteria provided, single submitter. Criteria: Myriad Autosomal Dominant, Autosomal Recessive and X-Linked Classification Criteria (2023). Collection method: clinical testing. Allele origin: unknown.
Comment: This variant is considered benign. This variant is a silent/synonymous amino acid change and it is not expected to impact splicing.